The following is an entry in ClinVar:

NM_007294.4(BRCA1):c.5075-1135G>A

Gene: BRCA1 (BRCA1 DNA repair associated; minus strand). Cytogenetic location: 17q21.31.
Variant type: single nucleotide variant.
Coding change: c.5075-1135G>A on transcript NM_007294.4 (MANE Select); 1135 bases into the intron before coding-DNA position 5075, G replaced by A.
Molecular consequence: intron variant.
Genome position (GRCh38, 1-based): chr17:43,065,086, C>T on the plus strand (G>A on the coding strand, the complement: BRCA1 is on the minus strand). VCF-style: chr17-43065086-C-T. GRCh37 (hg19) VCF-style: chr17-41217103-C-T.
Other names: IVS 17-1135G>A; c.5075-1135G>A (NM_001407605.1, NM_001407684.1, NM_001407594.1 and 7 more transcripts); c.4862-1135G>A (NM_001407902.1, NM_001407897.1, NM_001407908.1 and 12 more transcripts); c.1685-1135G>A (NM_001408414.1, NM_001408415.1, NM_001408412.1 and 2 more transcripts); c.1688-1135G>A (NM_001408411.1); c.4997-1135G>A (NM_001407655.1, NM_001407654.1, NM_001407653.1); c.4736-1135G>A (NM_001407956.1, NM_001407957.1, NM_001407958.1); c.4742-1135G>A (NM_001407947.1, NM_001407949.1, NM_001407946.1 and 1 more transcripts); and 74 more.
Identifiers: ClinVar variation 209329 (VCV000209329.2), dbSNP rs8176248, ClinGen allele CA276301.
Genomic context (GRCh38, chr17:43,065,086, plus strand): 5'-TTCACCGTGTTAGCCAGGATGGTCTCGATCTCCTGACCTCGTGATCTGCCCGCCTTGGCC[C>T]CCCAAAGCGCTGGGATTACAGGCCTGAGCCACCACGCTTGGCATCTTTTTACCTTTCATT-3'

ClinVar aggregate classification (germline): Benign (3 of 4 stars; one submission).

Conditions:
Breast-ovarian cancer, familial, susceptibility to, 1 (BROVCA1). Also called: BRCA1 Hereditary Breast and Ovarian Cancer; OVARIAN CANCER, SUSCEPTIBILITY TO. Identifiers: Orphanet 145, MedGen C2676676, MONDO:0011450, OMIM 604370. Disease mechanism: loss of function.

Allele frequency attached by ClinVar (database versions not stated): gnomAD 0.00238 and 0.00307; TOPMed 0.00329; 1000 Genomes Project 30x 0.01093; 1000 Genomes Project 0.01238.
gnomAD v4.1: 458 of 151,962 alleles (0.3%); highest among the groups gnomAD compares: East Asian, 4.5%; 10 homozygotes.

Submission:

Evidence-based Network for the Interpretation of Germline Mutant Alleles (ENIGMA)
Classification: Benign for Breast-ovarian cancer, familial 1. Last evaluated: 2015-01-12. Review status: reviewed by expert panel. Criteria: ENIGMA BRCA1/2 Classification Criteria (2015). Collection method: curation. Allele origin: germline.
Comment: Class 1 not pathogenic based on frequency >1% in an outbred sampleset. Frequency 0.04371 (Asian), derived from 1000 genomes (2012-04-30).